The following is an entry in ClinVar:

ClinVar aggregate classification (germline): Uncertain significance (1 of 4 stars; one submission).

Conditions:
Werner syndrome (WRN). Identifiers: Orphanet 902, MedGen C0043119, MONDO:0010196, OMIM 277700.

Submission:

Labcorp Genetics (formerly Invitae), Labcorp
Classification: Uncertain significance for Werner syndrome. Last evaluated: 2024-04-16. Review status: criteria provided, single submitter. Criteria: Invitae Variant Classification Sherloc (09022015). Collection method: clinical testing. Allele origin: germline.
Comment: This sequence change replaces cysteine, which is neutral and slightly polar, with serine, which is neutral and polar, at codon 197 of the WRN protein (p.Cys197Ser). This variant is not present in population databases (gnomAD no frequency). This variant has not been reported in the literature in individuals affected with WRN-related conditions. An algorithm developed to predict the effect of missense changes on protein structure and function (PolyPhen-2) suggests that this variant is likely to be disruptive. In summary, the available evidence is currently insufficient to determine the role of this variant in disease. Therefore, it has been classified as a Variant of Uncertain Significance.

NM_000553.6(WRN):c.589T>A (p.Cys197Ser)

Gene: WRN (WRN RecQ like helicase; plus strand). Cytogenetic location: 8p12.
Variant type: single nucleotide variant.
Coding change: c.589T>A on transcript NM_000553.6 (MANE Select); coding-DNA position 589, T replaced by A.
Protein change: p.Cys197Ser; replaces cysteine 197 with serine.
Molecular consequence: missense variant.
Genome position (GRCh38, 1-based): chr8:31,067,117, T>A. VCF-style: chr8-31067117-T-A. GRCh37 (hg19) VCF-style: chr8-30924633-T-A.
Other names: short protein forms C197S.
Identifiers: ClinVar variation 2824598 (VCV002824598.3), dbSNP rs2535887357, ClinGen allele CA370916178.